The following is an entry in ClinVar:

NM_015896.4(ZMYND10):c.622C>T (p.Arg208Cys)

Gene: ZMYND10 (zinc finger MYND-type containing 10; minus strand). Cytogenetic location: 3p21.31.
Variant type: single nucleotide variant.
Coding change: c.622C>T on transcript NM_015896.4 (MANE Select); coding-DNA position 622, C replaced by T.
Protein change: p.Arg208Cys; replaces arginine 208 with cysteine.
Molecular consequence: missense variant. On other transcripts: intron variant (1).
Genome position (GRCh38, 1-based): chr3:50,342,996, G>A on the plus strand (C>T on the coding strand, the complement: ZMYND10 is on the minus strand). VCF-style: chr3-50342996-G-A. GRCh37 (hg19) VCF-style: chr3-50380427-G-A.
Other names: c.599+122C>T (NM_001308379.2); short protein forms R208C.
Identifiers: ClinVar variation 1402526 (VCV001402526.4), dbSNP rs769848204, ClinGen allele CA2417145.
Genomic context (GRCh38, chr3:50,342,996, plus strand): 5'-AGGGACTATGCTCCAGCAGTTCCACCAGGAGGCAGGGCAGGTTGTGTGTGCTAAGCATAC[G>A]GCTCAAGGTGCTGAGAGAGAGGCTAGGGGCAGGGACGTTGTGAAGGAGGTGAGTAGAGGC-3'
Protein context (NP_056980.2, residues 198-218): VDSLSLSTLS[Arg208Cys]MLSTHNLPCL

ClinVar aggregate classification (germline): Uncertain significance. Review status: criteria provided, multiple submitters, no conflicts (2 of 4 stars). 2 submissions from 2 submitters: Uncertain significance (2). Last evaluated 2024-01-09.

Conditions:
Primary ciliary dyskinesia. Also called: Ciliary dyskinesia. Identifiers: Orphanet 244, MedGen C0008780, MONDO:0016575, HP:0012265.

Allele frequency attached by ClinVar (database versions not stated): ExAC 0.00003; gnomAD 0.00003 and 0.00004; gnomAD exomes 0.00004 and 0.00005; TOPMed 0.00004.
gnomAD v4.1: 61 of 1,614,014 alleles (0.0038%); highest among the groups gnomAD compares: Non-Finnish European, 0.0046%; no homozygotes.

Submissions (2):

Blueprint Genetics
Classification: Uncertain significance. Last evaluated: 2024-01-09. Review status: criteria provided, single submitter. Criteria: ACMG Guidelines, 2015. Collection method: clinical testing. Allele origin: germline.

Labcorp Genetics (formerly Invitae), Labcorp
Classification: Uncertain significance for Primary ciliary dyskinesia. Last evaluated: 2022-06-28. Review status: criteria provided, single submitter. Criteria: Invitae Variant Classification Sherloc (09022015). Collection method: clinical testing. Allele origin: germline.
Comment: This sequence change replaces arginine, which is basic and polar, with cysteine, which is neutral and slightly polar, at codon 208 of the ZMYND10 protein (p.Arg208Cys). This variant is present in population databases (rs769848204, gnomAD 0.009%). This variant has not been reported in the literature in individuals affected with ZMYND10-related conditions. Algorithms developed to predict the effect of missense changes on protein structure and function (SIFT, PolyPhen-2, Align-GVGD) all suggest that this variant is likely to be tolerated. In summary, the available evidence is currently insufficient to determine the role of this variant in disease. Therefore, it has been classified as a Variant of Uncertain Significance.